The following is an entry in ClinVar:

NM_001134831.2(AHI1):c.224A>T (p.Lys75Ile)

Gene: AHI1 (Abelson helper integration site 1; minus strand). Cytogenetic location: 6q23.3.
Variant type: single nucleotide variant.
Coding change: c.224A>T on transcript NM_001134831.2 (MANE Select); coding-DNA position 224, A replaced by T.
Protein change: p.Lys75Ile; replaces lysine 75 with isoleucine.
Molecular consequence: missense variant.
Genome position (GRCh38, 1-based): chr6:135,466,339, T>A on the plus strand (A>T on the coding strand, the complement: AHI1 is on the minus strand). VCF-style: chr6-135466339-T-A. GRCh37 (hg19) VCF-style: chr6-135787477-T-A.
Other names: c.224A>T, p.Lys75Ile (NM_001134830.2, NM_001134832.2, NM_001350503.2 and 2 more transcripts); short protein forms K75I.
Identifiers: ClinVar variation 1511152 (VCV001511152.3), dbSNP rs747661291, ClinGen allele CA4012870.

ClinVar aggregate classification (germline): Uncertain significance (1 of 4 stars; one submission).

Conditions:
Joubert syndrome. Also called: CEREBELLOPARENCHYMAL DISORDER IV; JOUBERT-BOLTSHAUSER SYNDROME; Familial aplasia of the vermis. Identifiers: Orphanet 475, MedGen C5979921, MONDO:0018772.

Allele frequency attached by ClinVar (database versions not stated): gnomAD 0.00001; gnomAD exomes 0.00001 and 0.00002; ExAC 0.00004.
gnomAD v4.1: 13 of 1,613,714 alleles (0.00081%); highest among the groups gnomAD compares: South Asian, 0.013%; no homozygotes.

Submission:

Labcorp Genetics (formerly Invitae), Labcorp
Classification: Uncertain significance for Joubert syndrome. Last evaluated: 2022-08-10. Review status: criteria provided, single submitter. Criteria: Invitae Variant Classification Sherloc (09022015). Collection method: clinical testing. Allele origin: germline.
Comment: This sequence change replaces lysine, which is basic and polar, with isoleucine, which is neutral and non-polar, at codon 75 of the AHI1 protein (p.Lys75Ile). This variant is present in population databases (rs747661291, gnomAD 0.02%). This variant has not been reported in the literature in individuals affected with AHI1-related conditions. ClinVar contains an entry for this variant (Variation ID: 1511152). Advanced modeling of protein sequence and biophysical properties (such as structural, functional, and spatial information, amino acid conservation, physicochemical variation, residue mobility, and thermodynamic stability) performed at Invitae indicates that this missense variant is not expected to disrupt AHI1 protein function. In summary, the available evidence is currently insufficient to determine the role of this variant in disease. Therefore, it has been classified as a Variant of Uncertain Significance.